The following is an entry in ClinVar:

ClinVar aggregate classification (germline): Likely benign (1 of 4 stars; one submission).

Allele frequency attached by ClinVar (database versions not stated): gnomAD 0.00394; 1000 Genomes Project 0.00519; 1000 Genomes Project 30x 0.00593.

Submission:

GeneDx
Classification: Likely benign. Last evaluated: 2019-04-20. Review status: criteria provided, single submitter. Criteria: GeneDx Variant Classification Process June 2021. Collection method: clinical testing. Allele origin: germline. Affected: yes.
Comment: See Variant Classification Assertion Criteria.

NM_022916.6(VPS33A):c.1609+150C>G

Gene: VPS33A (VPS33A core subunit of CORVET and HOPS complexes; minus strand). Cytogenetic location: 12q24.31.
Variant type: single nucleotide variant.
Coding change: c.1609+150C>G on transcript NM_022916.6 (MANE Select); 150 bases into the intron after coding-DNA position 1609, C replaced by G.
Molecular consequence: intron variant.
Genome position (GRCh38, 1-based): chr12:122,232,650, G>C on the plus strand (C>G on the coding strand, the complement: VPS33A is on the minus strand). VCF-style: chr12-122232650-G-C. GRCh37 (hg19) VCF-style: chr12-122717197-G-C.
Other names: c.1288+150C>G (NM_001351020.2); c.1576+150C>G (NM_001351018.2); c.1561+150C>G (NM_001351019.2).
Identifiers: ClinVar variation 2430785 (VCV002430785.1), dbSNP rs59424497, ClinGen allele CA13715489.